The following is an entry in ClinVar:

NM_000540.3(RYR1):c.13670C>T (p.Ser4557Phe)

Gene: RYR1 (ryanodine receptor 1; plus strand). Cytogenetic location: 19q13.2.
Variant type: single nucleotide variant.
Coding change: c.13670C>T on transcript NM_000540.3 (MANE Select); coding-DNA position 13670, C replaced by T.
Protein change: p.Ser4557Phe; replaces serine 4557 with phenylalanine.
Molecular consequence: missense variant.
Genome position (GRCh38, 1-based): chr19:38,570,617, C>T. VCF-style: chr19-38570617-C-T. GRCh37 (hg19) VCF-style: chr19-39061257-C-T.
Other names: c.13670C>T (NM_000540.2); c.13655C>T, p.Ser4552Phe (NM_001042723.2); short protein forms S4552F, S4557F.
Identifiers: ClinVar variation 1007068 (VCV001007068.8), dbSNP rs1973672468, ClinGen allele CA405678699.

ClinVar aggregate classification (germline): Uncertain significance. Review status: criteria provided, multiple submitters, no conflicts (2 of 4 stars). 3 submissions from 3 submitters: Uncertain significance (3). Last evaluated 2025-03-10.

Conditions:
Malignant hyperthermia, susceptibility to, 1 (MHS1). Also called: RYR1-Related Malignant Hyperthermia Susceptibility; Anesthesia related hyperthermia; Malignant hyperpyrexia; Fulminating hyperpyrexia; Pharmacogenic myopathy; Malignant hyperthermia suceptibility 1. Identifiers: Orphanet 423, MedGen C2930980, MONDO:0007783, OMIM 145600.
RYR1-related disorder. Also called: RYR1-related disorders; RYR1-related condition. Identifiers: MedGen CN239331.

Allele frequency attached by ClinVar (database versions not stated): gnomAD exomes below 0.00001.
gnomAD v4.1: 1 of 1,613,806 alleles (0.000062%); highest among the groups gnomAD compares: Admixed American, 0.0017%; no homozygotes.

Submissions (3):

GeneDx
Classification: Uncertain significance. Last evaluated: 2025-03-10. Review status: criteria provided, single submitter. Criteria: GeneDx Variant Classification Process June 2021. Collection method: clinical testing. Allele origin: germline. Affected: yes.
Comment: Not observed at significant frequency in large population cohorts (gnomAD); In silico analysis supports that this missense variant has a deleterious effect on protein structure/function; This variant is associated with the following publications: (PMID: 30842289)

All of Us Research Program, National Institutes of Health
Classification: Uncertain significance for Malignant hyperthermia, susceptibility to, 1. Last evaluated: 2024-05-30. Review status: criteria provided, single submitter. Criteria: ACMG Guidelines, 2015. Collection method: clinical testing. Allele origin: germline. Inheritance: Autosomal dominant inheritance. Observed: 1 variant allele, 1 heterozygote.
Comment: This missense variant replaces serine with phenylalanine at codon 4557 of the RYR1 protein. Computational prediction suggests that this variant may have deleterious impact on protein structure and function. To our knowledge, functional studies have not been reported for this variant. This variant has not been reported in individuals affected with autosomal dominant malignant hyperthermia, but it has been reported in individuals affected with other phenotypes (PMID: 30842289). This variant has not been identified in the general population by the Genome Aggregation Database (gnomAD). The available evidence is insufficient to determine the role of this variant in disease conclusively. Therefore, this variant is classified as a Variant of Uncertain Significance.

This study involves interpretation of variants in research participants for the purpose of population health screening. Participant phenotype was not available at the time of variant classification. Additional details can be found in publication PMID: 35346344, PMCID: PMC8962531

Labcorp Genetics (formerly Invitae), Labcorp
Classification: Uncertain significance for RYR1-related disorder. Last evaluated: 2021-09-01. Review status: criteria provided, single submitter. Criteria: Invitae Variant Classification Sherloc (09022015). Collection method: clinical testing. Allele origin: germline.
Comment: This sequence change replaces serine with phenylalanine at codon 4557 of the RYR1 protein (p.Ser4557Phe). The serine residue is moderately conserved and there is a large physicochemical difference between serine and phenylalanine. This variant is not present in population databases (ExAC no frequency). This missense change has been observed in individual(s) with myalgia and mild proximal weakness (PMID: 30842289). Algorithms developed to predict the effect of missense changes on protein structure and function are either unavailable or do not agree on the potential impact of this missense change (SIFT: "Deleterious"; PolyPhen-2: "Not Available"; Align-GVGD: "Class C0"). In summary, the available evidence is currently insufficient to determine the role of this variant in disease. Therefore, it has been classified as a Variant of Uncertain Significance.

Literature cited by the submitters: PubMed 30842289 (cited by All of Us Research Program, National Institutes of Health and Labcorp Genetics (formerly Invitae), Labcorp).